The following is an entry in ClinVar:

ClinVar aggregate classification (germline): Uncertain significance (1 of 4 stars; one submission).

Conditions:
Weaver syndrome (WVS). Also called: Weaver Smith syndrome; Overgrowth syndrome with accelerated skeletal maturation, unusual facies, and camptodactyly. Identifiers: Orphanet 3447, MedGen C0265210, MONDO:0010193, OMIM 277590.

gnomAD v4.1: 4 of 1,613,190 alleles (0.00025%); highest among the groups gnomAD compares: African/African-American, 0.0053%; no homozygotes.

Submission:

Labcorp Genetics (formerly Invitae), Labcorp
Classification: Uncertain significance for Weaver syndrome. Last evaluated: 2024-10-24. Review status: criteria provided, single submitter. Criteria: Invitae Variant Classification Sherloc (09022015). Collection method: clinical testing. Allele origin: germline.
Comment: This sequence change replaces proline, which is neutral and non-polar, with leucine, which is neutral and non-polar, at codon 214 of the EZH2 protein (p.Pro214Leu). This variant is not present in population databases (gnomAD no frequency). This variant has not been reported in the literature in individuals affected with EZH2-related conditions. Invitae Evidence Modeling of protein sequence and biophysical properties (such as structural, functional, and spatial information, amino acid conservation, physicochemical variation, residue mobility, and thermodynamic stability) indicates that this missense variant is not expected to disrupt EZH2 protein function with a negative predictive value of 95%. In summary, the available evidence is currently insufficient to determine the role of this variant in disease. Therefore, it has been classified as a Variant of Uncertain Significance.

NM_004456.5(EZH2):c.641C>T (p.Pro214Leu)

Gene: EZH2 (enhancer of zeste 2 polycomb repressive complex 2 subunit; minus strand). Cytogenetic location: 7q36.1.
Variant type: single nucleotide variant.
Coding change: c.641C>T on transcript NM_004456.5 (MANE Select); coding-DNA position 641, C replaced by T.
Protein change: p.Pro214Leu; replaces proline 214 with leucine.
Molecular consequence: missense variant.
Genome position (GRCh38, 1-based): chr7:148,827,251, G>A on the plus strand (C>T on the coding strand, the complement: EZH2 is on the minus strand). VCF-style: chr7-148827251-G-A. GRCh37 (hg19) VCF-style: chr7-148524343-G-A.
Other names: c.641C>T, p.Pro214Leu (NM_001203247.2); c.614C>T, p.Pro205Leu (NM_001203248.2, NM_001203249.2); c.524C>T, p.Pro175Leu (NM_152998.3); short protein forms P205L, P214L, P175L.
Identifiers: ClinVar variation 3720866 (VCV003720866.2).
Genomic context (GRCh38, chr7:148,827,251, plus strand): 5'-TTATCTGGAAACATTGAGGAAATGGCTTCAAAAATTTTATCAGAAGGAAATTTCCGAGGT[G>A]GGCGGCTTTCTTTATCTAAACAGGAGAATATGAAAGGAAAAAAAGAATGGAAGTAAACAA-3'
Protein context (NP_004447.2, residues 204-224): EDHRDDKESR[Pro214Leu]PRKFPSDKIF